The following is an entry in ClinVar:

ClinVar aggregate classification (germline): Conflicting classifications of pathogenicity. Review status: criteria provided, conflicting classifications (1 of 4 stars). 4 submissions from 4 submitters: Uncertain significance (1); Likely benign (2). 1 of the submissions does not count toward it. Last evaluated 2026-01-21.

Conditions:
COG5-related disorder. Also called: COG5-related condition.
COG5-congenital disorder of glycosylation. Also called: COG5-CDG; CDG IIi; CONGENITAL DISORDER OF GLYCOSYLATION, TYPE IIi. Identifiers: Orphanet 263487, MedGen C3150876, MONDO:0013325, OMIM 613612.
Inborn genetic diseases. Identifiers: MedGen C0950123, MeSH D030342.

Allele frequency attached by ClinVar (database versions not stated): ExAC 0.00068; 1000 Genomes Project 0.00200; gnomAD 0.00201; 1000 Genomes Project 30x 0.00203; TOPMed 0.00217; ESP Exome Variant Server 0.00269.
gnomAD v4.1: 582 of 1,613,734 alleles (0.036%); highest among the groups gnomAD compares: African/African-American, 0.73%; 3 homozygotes.

Submissions (4):

Labcorp Genetics (formerly Invitae), Labcorp
Classification: Likely benign for COG5-congenital disorder of glycosylation. Last evaluated: 2026-01-21. Review status: criteria provided, single submitter. Criteria: Invitae Variant Classification Sherloc (09022015). Collection method: clinical testing. Allele origin: germline.

Ambry Genetics
Classification: Likely benign for Inborn genetic diseases. Last evaluated: 2022-05-27. Review status: criteria provided, single submitter. Criteria: Ambry Variant Classification Scheme 2023. Collection method: clinical testing. Allele origin: germline.

Illumina Laboratory Services, Illumina
Classification: Uncertain significance for COG5-congenital disorder of glycosylation. Last evaluated: 2018-01-12. Review status: criteria provided, single submitter. Criteria: ICSL Variant Classification Criteria 13 December 2019. Collection method: clinical testing. Allele origin: germline.

PreventionGenetics, part of Exact Sciences
Classification: Benign for COG5-related condition. Last evaluated: 2019-08-13. Review status: no assertion criteria provided. Collection method: clinical testing. Allele origin: germline. Not counted in ClinVar's aggregate classification.
Comment: This variant is classified as benign based on ACMG/AMP sequence variant interpretation guidelines (Richards et al. 2015 PMID: 25741868, with internal and published modifications).

NM_006348.5(COG5):c.790T>A (p.Leu264Ile)

Gene: COG5 (component of oligomeric golgi complex 5; minus strand). Cytogenetic location: 7q22.3.
Variant type: single nucleotide variant.
Coding change: c.790T>A on transcript NM_006348.5 (MANE Select); coding-DNA position 790, T replaced by A.
Protein change: p.Leu264Ile; replaces leucine 264 with isoleucine.
Molecular consequence: missense variant. On other transcripts: intron variant (2).
Genome position (GRCh38, 1-based): chr7:107,372,640, A>T on the plus strand (T>A on the coding strand, the complement: COG5 is on the minus strand). VCF-style: chr7-107372640-A-T. GRCh37 (hg19) VCF-style: chr7-107013085-A-T.
Other names: c.790T>A, p.Leu264Ile (NM_001161520.2, NM_001379511.1, NM_001379512.1 and 3 more transcripts); c.235-10530T>A (NM_001379516.1); c.539-74294T>A (NM_001379515.1); short protein forms L264I.
Identifiers: ClinVar variation 779661 (VCV000779661.18), dbSNP rs142276972, ClinGen allele CA4431105.